The following is an entry in ClinVar:

NM_001267550.2(TTN):c.82081C>G (p.Pro27361Ala)

Genes: TTN (titin; minus strand), TTN-AS1 (TTN antisense RNA 1; plus strand). Cytogenetic location: 2q31.2.
Variant type: single nucleotide variant.
Coding change: c.82081C>G on transcript NM_001267550.2 (MANE Select); coding-DNA position 82081, C replaced by G.
Protein change: p.Pro27361Ala; replaces proline 27361 with alanine.
Molecular consequence: missense variant.
Genome position (GRCh38, 1-based): chr2:178,564,051, G>C on the plus strand (C>G on the coding strand, the complement: TTN is on the minus strand). VCF-style: chr2-178564051-G-C. GRCh37 (hg19) VCF-style: chr2-179428778-G-C.
Other names: p.P25720A:CCC>GCC; p.Pro25720Ala; c.77158C>G, p.Pro25720Ala (NM_001256850.1); c.54886C>G, p.Pro18296Ala (NM_003319.4); c.74377C>G, p.Pro24793Ala (NM_133378.4); c.55261C>G, p.Pro18421Ala (NM_133432.3); c.55462C>G, p.Pro18488Ala (NM_133437.4); c.82081C>G (NM_001267550.1); short protein forms P27361A, P24793A, P25720A, P18296A, P18488A, P18421A.
Identifiers: ClinVar variation 47407 (VCV000047407.65), dbSNP rs56137800, ClinGen allele CA140908.
Genomic context (GRCh38, chr2:178,564,051, plus strand): 5'-CAGTAACTTTCAGAGGCCCTTCAGGAGGCCCTGGCCTGTCAAGTACCTTTACAGTGATGG[G>C]TATAGACTTTGTACCACCAACATTGCTGAGTTTCAGAATATATTGTCCTCCATCAGTCCG-3'
Protein context (NP_001254479.2, residues 27351-27371): LSNVGGTKSI[Pro27361Ala]ITVKVLDRPG

ClinVar aggregate classification (germline): Benign/Likely benign. Review status: criteria provided, multiple submitters, no conflicts (2 of 4 stars). 29 submissions from 22 submitters: Benign (17); Likely benign (6). 6 of the submissions do not count toward it. Last evaluated 2026-02-01.

Conditions:
TTN-related disorder. Also called: TTN-related condition; TTN-related disease; TTN-related disorders.
Cardiovascular phenotype. Identifiers: MedGen CN230736.
Dilated cardiomyopathy 1G (CMD1G). Identifiers: Orphanet 154, MedGen C1858763, MONDO:0011400, OMIM 604145.
Autosomal recessive limb-girdle muscular dystrophy type 2J (LGMDR10). Also called: Limb-girdle muscular dystrophy, type 2J; MUSCULAR DYSTROPHY, LIMB-GIRDLE, AUTOSOMAL RECESSIVE 10. Identifiers: Orphanet 140922, MedGen C1837342, MONDO:0012127, OMIM 608807.
Long QT syndrome (LQTS). Identifiers: MedGen C0023976, MeSH D008133, MONDO:0002442. Disease mechanism: loss of function. Inheritance: Various modes of inheritance.
Cardiomyopathy (CMYO). Also called: Cardiomyopathies. Identifiers: Orphanet 167848, MedGen C0878544, MONDO:0004994, HP:0001638. Inheritance: Various modes of inheritance.
Early-onset myopathy with fatal cardiomyopathy (CMYO5). Also called: Salih Myopathy; CONGENITAL MYOPATHY 5 WITH CARDIOMYOPATHY. Identifiers: Orphanet 289377, MedGen C2673677, MONDO:0012714, OMIM 611705. Disease mechanism: loss of function.
Myopathy, myofibrillar, 9, with early respiratory failure (MFM9). Also called: Hereditary myopathy with early respiratory failure; Myopathy, distal, with early respiratory failure, autosomal dominant; EDSTROM MYOPATHY; MYOPATHY, PROXIMAL, WITH EARLY RESPIRATORY MUSCLE INVOLVEMENT. Identifiers: Orphanet 178464, Orphanet 34521, MedGen C1863599, MONDO:0011362, OMIM 603689.
Tibial muscular dystrophy (TMD). Also called: Udd Distal Myopathy – Tibial Muscular Dystrophy; Tibial muscular dystrophy, tardive; UDD MYOPATHY. Identifiers: Orphanet 609, MedGen C1838244, MONDO:0010870, OMIM 600334.

Allele frequency attached by ClinVar (database versions not stated): gnomAD 0.00072 and 0.00101; gnomAD exomes 0.00085 and 0.00268; TOPMed 0.00145; ExAC 0.00286; 1000 Genomes Project 30x 0.00437; 1000 Genomes Project 0.00499.
gnomAD v4.1: 1,431 of 1,613,698 alleles (0.089%); highest among the groups gnomAD compares: East Asian, 2.9%; 19 homozygotes.

Submissions 1 to 20 of 29:

Labcorp Genetics (formerly Invitae), Labcorp
Classification: Benign for Dilated cardiomyopathy 1G; Autosomal recessive limb-girdle muscular dystrophy type 2J. Last evaluated: 2026-02-01. Review status: criteria provided, single submitter. Criteria: Invitae Variant Classification Sherloc (09022015). Collection method: clinical testing. Allele origin: germline.

Molecular Diagnostic Laboratory for Inherited Cardiovascular Disease, Montreal Heart Institute
Classification: Benign. Last evaluated: 2025-04-09. Review status: criteria provided, single submitter. Criteria: ACMG Guidelines, 2015. Collection method: clinical testing. Allele origin: germline. Affected: no.

CeGaT Center for Human Genetics Tuebingen
Classification: Benign. Last evaluated: 2025-02-01. Review status: criteria provided, single submitter. Criteria: CeGaT Center For Human Genetics Tuebingen Variant Classification Criteria Version 2. Collection method: clinical testing. Allele origin: germline. Affected: yes. Observed: 3 variant alleles.
Comment: TTN: BS1, BS2

ARUP Laboratories, Molecular Genetics and Genomics, ARUP Laboratories
Classification: Benign. Last evaluated: 2025-01-15. Review status: criteria provided, single submitter. Criteria: ARUP Molecular Germline Variant Investigation Process 2024. Collection method: clinical testing. Allele origin: germline.

Mayo Clinic Laboratories, Mayo Clinic
Classification: Benign. Last evaluated: 2024-09-12. Review status: criteria provided, single submitter. Criteria: ACMG Guidelines, 2015. Collection method: clinical testing. Allele origin: germline. Observed: 5 variant alleles.
Comment: BS1, BS2

Women's Health and Genetics/Laboratory Corporation of America, LabCorp
Classification: Likely benign. Last evaluated: 2023-12-03. Review status: criteria provided, single submitter. Criteria: LabCorp Variant Classification Summary - May 2015. Collection method: clinical testing. Allele origin: germline.

Genome-Nilou Lab
Classification: Benign for Autosomal recessive limb-girdle muscular dystrophy type 2J. Last evaluated: 2021-09-10. Review status: criteria provided, single submitter. Criteria: ACMG Guidelines, 2015. Collection method: clinical testing. Allele origin: germline. Affected: no.

Genome-Nilou Lab
Classification: Benign for Myopathy, myofibrillar, 9, with early respiratory failure. Last evaluated: 2021-09-10. Review status: criteria provided, single submitter. Criteria: ACMG Guidelines, 2015. Collection method: clinical testing. Allele origin: germline. Affected: no.

Genome-Nilou Lab
Classification: Benign for Early-onset myopathy with fatal cardiomyopathy. Last evaluated: 2021-09-10. Review status: criteria provided, single submitter. Criteria: ACMG Guidelines, 2015. Collection method: clinical testing. Allele origin: germline. Affected: no.

Genome-Nilou Lab
Classification: Benign for Tibial muscular dystrophy. Last evaluated: 2021-09-10. Review status: criteria provided, single submitter. Criteria: ACMG Guidelines, 2015. Collection method: clinical testing. Allele origin: germline. Affected: no.

Athena Diagnostics
Classification: Benign. Last evaluated: 2021-05-05. Review status: criteria provided, single submitter. Criteria: Athena Diagnostics criteria. Collection method: clinical testing. Allele origin: unknown.

Center for Advanced Laboratory Medicine, UC San Diego Health, University of California San Diego
Classification: Benign for Long QT Syndrome. Last evaluated: 2018-05-26. Review status: criteria provided, single submitter. Criteria: ACMG Guidelines, 2015. Collection method: clinical testing. Allele origin: germline. Affected: yes. Observed: 1 variant allele.

CHEO Genetics Diagnostic Laboratory, Children's Hospital of Eastern Ontario
Classification: Benign for Cardiomyopathy. Last evaluated: 2018-04-17. Review status: criteria provided, single submitter. Criteria: ACMG Guidelines, 2015. Collection method: clinical testing. Allele origin: germline.

Illumina Laboratory Services, Illumina
Classification: Likely benign for Autosomal recessive limb-girdle muscular dystrophy type 2J. Last evaluated: 2018-01-13. Review status: criteria provided, single submitter. Criteria: ICSL Variant Classification Criteria 13 December 2019. Collection method: clinical testing. Allele origin: germline.
Comment: This variant was observed in the ICSL laboratory as part of a predisposition screen in an ostensibly healthy population. It had not been previously curated by ICSL or reported in the Human Gene Mutation Database (HGMD: prior to June 1st, 2018), and was therefore a candidate for classification through an automated scoring system. Utilizing variant allele frequency, disease prevalence and penetrance estimates, and inheritance mode, an automated score was calculated to assess if this variant is too frequent to cause the disease. Based on the score and internal cut-off values, a variant classified as likely benign is not then subjected to further curation. The score for this variant resulted in a classification of likely benign for this disease.

Illumina Laboratory Services, Illumina
Classification: Likely benign for Dilated cardiomyopathy 1G. Last evaluated: 2018-01-13. Review status: criteria provided, single submitter. Criteria: ICSL Variant Classification Criteria 13 December 2019. Collection method: clinical testing. Allele origin: germline.
Comment: the same text as in the submission from Illumina Laboratory Services, Illumina above.

Illumina Laboratory Services, Illumina
Classification: Benign for Early-onset myopathy with fatal cardiomyopathy. Last evaluated: 2018-01-13. Review status: criteria provided, single submitter. Criteria: ICSL Variant Classification Criteria 13 December 2019. Collection method: clinical testing. Allele origin: germline.
Comment: This variant was observed in the ICSL laboratory as part of a predisposition screen in an ostensibly healthy population. It had not been previously curated by ICSL or reported in the Human Gene Mutation Database (HGMD: prior to June 1st, 2018), and was therefore a candidate for classification through an automated scoring system. Utilizing variant allele frequency, disease prevalence and penetrance estimates, and inheritance mode, an automated score was calculated to assess if this variant is too frequent to cause the disease. Based on the score and internal cut-off values, a variant classified as benign is not then subjected to further curation. The score for this variant resulted in a classification of benign for this disease.

Illumina Laboratory Services, Illumina
Classification: Benign for Tibial muscular dystrophy. Last evaluated: 2018-01-13. Review status: criteria provided, single submitter. Criteria: ICSL Variant Classification Criteria 13 December 2019. Collection method: clinical testing. Allele origin: germline.
Comment: the same text as in the submission from Illumina Laboratory Services, Illumina above.

Illumina Laboratory Services, Illumina
Classification: Benign for Myopathy, myofibrillar, 9, with early respiratory failure. Last evaluated: 2018-01-13. Review status: criteria provided, single submitter. Criteria: ICSL Variant Classification Criteria 13 December 2019. Collection method: clinical testing. Allele origin: germline.
Comment: the same text as in the submission from Illumina Laboratory Services, Illumina above.

GeneDx
Classification: Benign. Last evaluated: 2017-04-10. Review status: criteria provided, single submitter. Criteria: GeneDx Variant Classification (06012015). Collection method: clinical testing. Allele origin: germline. Affected: yes.
Comment: This variant is considered likely benign or benign based on one or more of the following criteria: it is a conservative change, it occurs at a poorly conserved position in the protein, it is predicted to be benign by multiple in silico algorithms, and/or has population frequency not consistent with disease.

Ambry Genetics
Classification: Benign for Cardiovascular phenotype. Last evaluated: 2015-09-04. Review status: criteria provided, single submitter. Criteria: Ambry Variant Classification Scheme 2023. Collection method: clinical testing. Allele origin: germline.